The following is an entry in ClinVar:

NM_014215.3(INSRR):c.1215C>T (p.Asp405=)

Genes: NTRK1 (neurotrophic receptor tyrosine kinase 1; plus strand), INSRR (insulin receptor related receptor; minus strand). Cytogenetic location: 1q23.1.
Variant type: single nucleotide variant.
Coding change: c.1215C>T on transcript NM_014215.3 (MANE Select); coding-DNA position 1215, C replaced by T.
Protein change: p.Asp405=; no amino-acid change (aspartic acid 405 retained).
Molecular consequence: synonymous variant. On other transcripts: intron variant (1).
Genome position (GRCh38, 1-based): chr1:156,851,304, G>A on the plus strand (C>T on the coding strand, the complement: INSRR is on the minus strand). VCF-style: chr1-156851304-G-A. GRCh37 (hg19) VCF-style: chr1-156821096-G-A.
Other names: c.122+9111G>A (NM_001007792.1).
Identifiers: ClinVar variation 1675387 (VCV001675387.32), dbSNP rs141373320, ClinGen allele CA1168456.

ClinVar aggregate classification (germline): Likely benign (1 of 4 stars; one submission).

Allele frequency attached by ClinVar (database versions not stated): 1000 Genomes Project 30x 0.00031; TOPMed 0.00063; gnomAD 0.00096 and 0.00098; ESP Exome Variant Server 0.00085; 1000 Genomes Project 0.00020.
gnomAD v4.1: 1,393 of 1,614,106 alleles (0.086%); highest among the groups gnomAD compares: Non-Finnish European, 0.099%; 5 homozygotes.

Submission:

CeGaT Center for Human Genetics Tuebingen
Classification: Likely benign. Last evaluated: 2026-06-01. Review status: criteria provided, single submitter. Criteria: CeGaT Center For Human Genetics Tuebingen Variant Classification Criteria Version 2. Collection method: clinical testing. Allele origin: germline. Affected: yes. Observed: 2 variant alleles.
Comment: INSRR: BP4, BP7